The following is an entry in ClinVar:

ClinVar aggregate classification (germline): Uncertain significance (1 of 4 stars; one submission).

Conditions:
GRHL2-related disorder. Also called: GRHL2-related disorders; GRHL2-related condition.

gnomAD v4.1: 4 of 1,613,022 alleles (0.00025%); highest among the groups gnomAD compares: Non-Finnish European, 0.00034%; no homozygotes.

Submission:

PreventionGenetics, part of Exact Sciences
Classification: Uncertain significance for GRHL2-related condition. Last evaluated: 2025-07-28. Review status: criteria provided, single submitter. Criteria: ACMG Guidelines, 2015. Collection method: clinical testing. Allele origin: germline.
Comment: The GRHL2 c.1703C>T variant is predicted to result in the amino acid substitution p.Ser568Phe. To our knowledge, this variant has not been reported in the literature or in a large population database (gnomAD), indicating this variant is rare. At this time, the clinical significance of this variant is uncertain due to the absence of conclusive functional and genetic evidence.

NM_024915.4(GRHL2):c.1703C>T (p.Ser568Phe)

Gene: GRHL2 (grainyhead like transcription factor 2; plus strand). Cytogenetic location: 8q22.3.
Variant type: single nucleotide variant.
Coding change: c.1703C>T on transcript NM_024915.4 (MANE Select); coding-DNA position 1703, C replaced by T.
Protein change: p.Ser568Phe; replaces serine 568 with phenylalanine.
Molecular consequence: missense variant.
Genome position (GRCh38, 1-based): chr8:101,664,458, C>T. VCF-style: chr8-101664458-C-T. GRCh37 (hg19) VCF-style: chr8-102676686-C-T.
Other names: c.1655C>T, p.Ser552Phe (NM_001330593.2, NM_001440448.1); c.1703C>T, p.Ser568Phe (NM_001440447.1); short protein forms S568F, S552F.
Identifiers: ClinVar variation 4977636 (VCV004977636.1).